The following is an entry in ClinVar:

ClinVar aggregate classification (germline): Uncertain significance (1 of 4 stars; one submission).

Conditions:
Renal coloboma syndrome (PAPRS). Also called: PAPILLORENAL SYNDROME WITH MILD OCULAR ABNORMALITIES; OPTIC COLOBOMA, VESICOURETERAL REFLUX, AND RENAL ANOMALIES; OPTIC NERVE COLOBOMA WITH RENAL DISEASE; RENAL-COLOBOMA SYNDROME WITH MACULAR ABNORMALITIES; CONGENITAL ANOMALIES OF THE KIDNEY AND URINARY TRACT WITH OR WITHOUT OCULAR ABNORMALITIES; CAKUT WITH OR WITHOUT OCULAR ABNORMALITIES. Identifiers: Orphanet 1475, MedGen C1852759, MONDO:0007352, OMIM 120330.
Focal segmental glomerulosclerosis 7 (FSGS7). Identifiers: Orphanet 656, MedGen C4014925, MONDO:0014451, OMIM 616002.

Submission:

Labcorp Genetics (formerly Invitae), Labcorp
Classification: Uncertain significance for Renal coloboma syndrome; Focal segmental glomerulosclerosis 7. Last evaluated: 2022-01-22. Review status: criteria provided, single submitter. Criteria: Invitae Variant Classification Sherloc (09022015). Collection method: clinical testing. Allele origin: germline.
Comment: This variant has not been reported in the literature in individuals affected with PAX2-related conditions. In summary, the available evidence is currently insufficient to determine the role of this variant in disease. Therefore, it has been classified as a Variant of Uncertain Significance. Experimental studies and prediction algorithms are not available or were not evaluated, and the functional significance of this variant is currently unknown. This variant is not present in population databases (gnomAD no frequency). This sequence change replaces valine, which is neutral and non-polar, with isoleucine, which is neutral and non-polar, at codon 174 of the PAX2 protein (p.Val174Ile).

NM_000278.5(PAX2):c.520G>A (p.Val174Ile)

Gene: PAX2 (paired box 2; plus strand). Cytogenetic location: 10q24.31.
Variant type: single nucleotide variant.
Coding change: c.520G>A on transcript NM_000278.5 (MANE Select); coding-DNA position 520, G replaced by A.
Protein change: p.Val174Ile; replaces valine 174 with isoleucine.
Molecular consequence: missense variant.
Genome position (GRCh38, 1-based): chr10:100,781,269, G>A. VCF-style: chr10-100781269-G-A. GRCh37 (hg19) VCF-style: chr10-102541026-G-A.
Other names: c.613G>A, p.Val205Ile (NM_001304569.2); c.520G>A, p.Val174Ile (NM_003987.5, NM_003988.5, NM_003989.5 and 1 more transcripts); short protein forms V205I, V174I.
Identifiers: ClinVar variation 2089151 (VCV002089151.4), dbSNP rs1846611456, ClinGen allele CA378258469.